The following is an entry in ClinVar:

NM_014915.3(ANKRD26):c.2335C>T (p.His779Tyr)

Gene: ANKRD26 (ankyrin repeat domain containing 26; minus strand). Cytogenetic location: 10p12.1.
Variant type: single nucleotide variant.
Coding change: c.2335C>T on transcript NM_014915.3 (MANE Select); coding-DNA position 2335, C replaced by T.
Protein change: p.His779Tyr; replaces histidine 779 with tyrosine.
Molecular consequence: missense variant.
Genome position (GRCh38, 1-based): chr10:27,040,005, G>A on the plus strand (C>T on the coding strand, the complement: ANKRD26 is on the minus strand). VCF-style: chr10-27040005-G-A. GRCh37 (hg19) VCF-style: chr10-27328934-G-A.
Other names: c.2332C>T, p.His778Tyr (NM_001256053.2); short protein forms H779Y, H778Y.
Identifiers: ClinVar variation 3913386 (VCV003913386.1).

ClinVar aggregate classification (germline): Uncertain significance (1 of 4 stars; one submission).

Conditions:
Inborn genetic diseases. Identifiers: MedGen C0950123, MeSH D030342.

Submission:

Ambry Genetics
Classification: Uncertain significance for Inborn genetic diseases. Last evaluated: 2025-03-29. Review status: criteria provided, single submitter. Criteria: Ambry Variant Classification Scheme 2023. Collection method: clinical testing. Allele origin: germline.
Comment: The p.H779Y variant (also known as c.2335C>T), located in coding exon 21 of the ANKRD26 gene, results from a C to T substitution at nucleotide position 2335. The histidine at codon 779 is replaced by tyrosine, an amino acid with similar properties. This amino acid position is conserved. In addition, this alteration is predicted to be tolerated by in silico analysis. Based on the available evidence, the clinical significance of this variant remains unclear.